The following is an entry in ClinVar:

NM_144701.3(IL23R):c.105G>T (p.Trp35Cys)

Gene: IL23R (interleukin 23 receptor; plus strand). Cytogenetic location: 1p31.3.
Variant type: single nucleotide variant.
Coding change: c.105G>T on transcript NM_144701.3 (MANE Select); coding-DNA position 105, G replaced by T.
Protein change: p.Trp35Cys; replaces tryptophan 35 with cysteine.
Molecular consequence: missense variant.
Genome position (GRCh38, 1-based): chr1:67,169,376, G>T. VCF-style: chr1-67169376-G-T. GRCh37 (hg19) VCF-style: chr1-67635059-G-T.
Other names: short protein forms W35C.
Identifiers: ClinVar variation 1718488 (VCV001718488.5), dbSNP rs1396700760, ClinGen allele CA340732168.

ClinVar aggregate classification (germline): Uncertain significance (1 of 4 stars; one submission).

Allele frequency attached by ClinVar (database versions not stated): gnomAD exomes below 0.00001.
gnomAD v4.1: 3 of 1,612,894 alleles (0.00019%); highest among the groups gnomAD compares: Non-Finnish European, 0.00025%; no homozygotes.

Submission:

Labcorp Genetics (formerly Invitae), Labcorp
Classification: Uncertain significance. Last evaluated: 2022-08-31. Review status: criteria provided, single submitter. Criteria: Invitae Variant Classification Sherloc (09022015). Collection method: clinical testing. Allele origin: germline.
Comment: This variant has not been reported in the literature in individuals affected with IL23R-related conditions. This variant is present in population databases (no rsID available, gnomAD 0.0009%). This sequence change replaces tryptophan, which is neutral and slightly polar, with cysteine, which is neutral and slightly polar, at codon 35 of the IL23R protein (p.Trp35Cys). Algorithms developed to predict the effect of missense changes on protein structure and function (SIFT, PolyPhen-2, Align-GVGD) all suggest that this variant is likely to be tolerated. In summary, the available evidence is currently insufficient to determine the role of this variant in disease. Therefore, it has been classified as a Variant of Uncertain Significance.